The following is an entry in ClinVar:

NM_001378615.1(CC2D2A):c.3878T>C (p.Ile1293Thr)

Genes: CC2D2A (coiled-coil and C2 domain containing 2A; plus strand), FBXL5 (F-box and leucine rich repeat protein 5; minus strand). Cytogenetic location: 4p15.32.
Variant type: single nucleotide variant.
Coding change: c.3878T>C on transcript NM_001378615.1 (MANE Select); coding-DNA position 3878, T replaced by C.
Protein change: p.Ile1293Thr; replaces isoleucine 1293 with threonine.
Molecular consequence: missense variant.
Genome position (GRCh38, 1-based): chr4:15,580,074, T>C. VCF-style: chr4-15580074-T-C. GRCh37 (hg19) VCF-style: chr4-15581697-T-C.
Other names: c.3878T>C, p.Ile1293Thr (NM_001080522.2); c.3731T>C, p.Ile1244Thr (NM_001378617.1); short protein forms I1244T, I1293T.
Identifiers: ClinVar variation 1944577 (VCV001944577.5), dbSNP rs769895608, ClinGen allele CA356426210.

ClinVar aggregate classification (germline): Uncertain significance (1 of 4 stars; one submission).

Conditions:
Joubert syndrome. Also called: Familial aplasia of the vermis; JOUBERT-BOLTSHAUSER SYNDROME. Identifiers: Orphanet 475, MedGen C5979921, MONDO:0018772.
Meckel-Gruber syndrome. Also called: Dysencephalia splachnocystica; DYSENCEPHALIA SPLANCHNOCYSTICA; GRUBER SYNDROME. Identifiers: Orphanet 564, MedGen C0265215, MONDO:0018921.

Allele frequency attached by ClinVar (database versions not stated): TOPMed below 0.00001.
gnomAD v4.1: 1 of 1,613,968 alleles (0.000062%); highest among the groups gnomAD compares: Non-Finnish European, 0.000085%; no homozygotes.

Submission:

Labcorp Genetics (formerly Invitae), Labcorp
Classification: Uncertain significance for Joubert syndrome; Meckel-Gruber syndrome. Last evaluated: 2024-06-24. Review status: criteria provided, single submitter. Criteria: Invitae Variant Classification Sherloc (09022015). Collection method: clinical testing. Allele origin: germline.
Comment: This sequence change replaces isoleucine, which is neutral and non-polar, with threonine, which is neutral and polar, at codon 1293 of the CC2D2A protein (p.Ile1293Thr). This variant is not present in population databases (gnomAD no frequency). This variant has not been reported in the literature in individuals affected with CC2D2A-related conditions. ClinVar contains an entry for this variant (Variation ID: 1944577). Advanced modeling of protein sequence and biophysical properties (such as structural, functional, and spatial information, amino acid conservation, physicochemical variation, residue mobility, and thermodynamic stability) has been performed at Invitae for this missense variant, however the output from this modeling did not meet the statistical confidence thresholds required to predict the impact of this variant on CC2D2A protein function. In summary, the available evidence is currently insufficient to determine the role of this variant in disease. Therefore, it has been classified as a Variant of Uncertain Significance.